The following is an entry in ClinVar:

NC_000023.10:g.(?_53423127)_(53572142_?)dup

Genes: HSD17B10 (hydroxysteroid 17-beta dehydrogenase 10; minus strand), HUWE1 (HECT, UBA and WWE domain containing E3 ubiquitin protein ligase 1; minus strand), RIBC1 (RIB43A domain with coiled-coils 1; plus strand), SMC1A (structural maintenance of chromosomes 1A; minus strand). Cytogenetic location: Xp11.22.
Variant type: Duplication.
Identifiers: ClinVar variation 2425564 (VCV002425564.4).

ClinVar aggregate classification (germline): Uncertain significance (1 of 4 stars; one submission).

Conditions:
Congenital muscular hypertrophy-cerebral syndrome (CDLS2). Also called: Cornelia de Lange syndrome 2; SMC1A-Related Cornelia de Lange Syndrome. Identifiers: Orphanet 199, MedGen C1802395, MONDO:0010370, OMIM 300590.

Submission:

Labcorp Genetics (formerly Invitae), Labcorp
Classification: Uncertain significance for Congenital muscular hypertrophy-cerebral syndrome. Last evaluated: 2022-07-01. Review status: criteria provided, single submitter. Criteria: Invitae Variant Classification Sherloc (09022015). Collection method: clinical testing. Allele origin: germline.
Comment: In summary, the available evidence is currently insufficient to determine the role of this variant in disease. Therefore, it has been classified as a Variant of Uncertain Significance. Experimental studies and prediction algorithms are not available or were not evaluated, and the functional significance of this variant is currently unknown. This variant has not been reported in the literature in individuals affected with SMC1A-related conditions. This variant results in a copy number gain of the genomic region encompassing exon(s) 1-18 of the SMC1A gene. This region includes the initiator codon of the gene. This copy number gain extends beyond the assayed region for this gene and therefore may encompass additional genes. As the precise location of this event is unknown, it may be in tandem or it may be located elsewhere in the genome.